The following is an entry in ClinVar:

ClinVar aggregate classification (germline): Conflicting classifications of pathogenicity. Review status: criteria provided, conflicting classifications (1 of 4 stars). 3 submissions from 3 submitters: Uncertain significance (1); Likely benign (2). Last evaluated 2026-01-22.

Conditions:
LAMA2-related muscular dystrophy (LAMA2-RD). Also called: Laminin alpha 2-related dystrophy. Identifiers: MedGen C5679788, MONDO:0100228.
Congenital muscular dystrophy due to partial LAMA2 deficiency. Identifiers: MedGen C1842898.

Allele frequency attached by ClinVar (database versions not stated): gnomAD exomes below 0.00001; ExAC 0.00001; gnomAD 0.00003; TOPMed 0.00005.
gnomAD v4.1: 10 of 1,580,426 alleles (0.00063%); highest among the groups gnomAD compares: Admixed American, 0.0067%; no homozygotes.

Submissions (3):

Labcorp Genetics (formerly Invitae), Labcorp
Classification: Likely benign for LAMA2-related muscular dystrophy. Last evaluated: 2026-01-22. Review status: criteria provided, single submitter. Criteria: Invitae Variant Classification Sherloc (09022015). Collection method: clinical testing. Allele origin: germline.

CeGaT Center for Human Genetics Tuebingen
Classification: Likely benign. Last evaluated: 2022-06-01. Review status: criteria provided, single submitter. Criteria: CeGaT Center For Human Genetics Tuebingen Variant Classification Criteria Version 2. Collection method: clinical testing. Allele origin: germline. Affected: yes. Observed: 1 variant allele.
Comment: LAMA2: BP4, BP7

Illumina Laboratory Services, Illumina
Classification: Uncertain significance for Congenital muscular dystrophy due to partial LAMA2 deficiency. Last evaluated: 2017-04-27. Review status: criteria provided, single submitter. Criteria: ICSL Variant Classification Criteria 13 December 2019. Collection method: clinical testing. Allele origin: germline.

NM_000426.4(LAMA2):c.5553C>T (p.Ser1851=)

Gene: LAMA2 (laminin subunit alpha 2; plus strand). Cytogenetic location: 6q22.33.
Variant type: single nucleotide variant.
Coding change: c.5553C>T on transcript NM_000426.4 (MANE Select); coding-DNA position 5553, C replaced by T.
Protein change: p.Ser1851=; no amino-acid change (serine 1851 retained).
Molecular consequence: synonymous variant.
Genome position (GRCh38, 1-based): chr6:129,401,331, C>T. VCF-style: chr6-129401331-C-T. GRCh37 (hg19) VCF-style: chr6-129722476-C-T.
Other names: c.5553C>T, p.Ser1851= (NM_001079823.2).
Identifiers: ClinVar variation 904723 (VCV000904723.43), dbSNP rs781341719, ClinGen allele CA3993911.